The following is an entry in ClinVar:

ClinVar aggregate classification (germline): Uncertain significance (1 of 4 stars; one submission).

Conditions:
LAMA2-related muscular dystrophy (LAMA2-RD). Also called: Laminin alpha 2-related dystrophy. Identifiers: MedGen C5679788, MONDO:0100228.

Allele frequency attached by ClinVar (database versions not stated): gnomAD exomes 0.00001.
gnomAD v4.1: 2 of 1,613,310 alleles (0.00012%); highest among the groups gnomAD compares: Admixed American, 0.0033%; no homozygotes.

Submission:

Labcorp Genetics (formerly Invitae), Labcorp
Classification: Uncertain significance for LAMA2-related muscular dystrophy. Last evaluated: 2021-09-01. Review status: criteria provided, single submitter. Criteria: Invitae Variant Classification Sherloc (09022015). Collection method: clinical testing. Allele origin: germline.
Comment: This sequence change affects codon 2520 of the LAMA2 mRNA. It is a 'silent' change, meaning that it does not change the encoded amino acid sequence of the LAMA2 protein. This variant is not present in population databases (ExAC no frequency). This variant has not been reported in the literature in individuals affected with LAMA2-related conditions. Algorithms developed to predict the effect of sequence changes on RNA splicing suggest that this variant may create or strengthen a splice site. In summary, the available evidence is currently insufficient to determine the role of this variant in disease. Therefore, it has been classified as a Variant of Uncertain Significance.

NM_000426.4(LAMA2):c.7560A>T (p.Gly2520=)

Gene: LAMA2 (laminin subunit alpha 2; plus strand). Cytogenetic location: 6q22.33.
Variant type: single nucleotide variant.
Coding change: c.7560A>T on transcript NM_000426.4 (MANE Select); coding-DNA position 7560, A replaced by T.
Protein change: p.Gly2520=; no amino-acid change (glycine 2520 retained).
Molecular consequence: synonymous variant.
Genome position (GRCh38, 1-based): chr6:129,478,801, A>T. VCF-style: chr6-129478801-A-T. GRCh37 (hg19) VCF-style: chr6-129799946-A-T.
Other names: c.7548A>T, p.Gly2516= (NM_001079823.2).
Identifiers: ClinVar variation 1054415 (VCV001054415.6), dbSNP rs1298162958, ClinGen allele CA451929932.